The following is an entry in ClinVar:

NM_024408.4(NOTCH2):c.3413C>T (p.Pro1138Leu)

Gene: NOTCH2 (notch receptor 2; minus strand). Cytogenetic location: 1p12.
Variant type: single nucleotide variant.
Coding change: c.3413C>T on transcript NM_024408.4 (MANE Select); coding-DNA position 3413, C replaced by T.
Protein change: p.Pro1138Leu; replaces proline 1138 with leucine.
Molecular consequence: missense variant.
Genome position (GRCh38, 1-based): chr1:119,937,391, G>A on the plus strand (C>T on the coding strand, the complement: NOTCH2 is on the minus strand). VCF-style: chr1-119937391-G-A. GRCh37 (hg19) VCF-style: chr1-120480014-G-A.
Other names: c.3413C>T, p.Pro1138Leu (NM_001200001.2); short protein forms P1138L.
Identifiers: ClinVar variation 3683160 (VCV003683160.2).

ClinVar aggregate classification (germline): Uncertain significance (1 of 4 stars; one submission).

Conditions:
Hajdu-Cheney syndrome (HJCYS). Also called: Acroosteolysis dominant type; SERPENTINE FIBULA-POLYCYSTIC KIDNEY SYNDROME; ACROOSTEOLYSIS WITH OSTEOPOROSIS AND CHANGES IN SKULL AND MANDIBLE. Identifiers: Orphanet 955, MedGen C0917715, MONDO:0007057, OMIM 102500.

gnomAD v4.1: 2 of 1,614,096 alleles (0.00012%); highest among the groups gnomAD compares: East Asian, 0.0022%; no homozygotes.

Submission:

Labcorp Genetics (formerly Invitae), Labcorp
Classification: Uncertain significance for Hajdu-Cheney syndrome. Last evaluated: 2025-02-06. Review status: criteria provided, single submitter. Criteria: Invitae Variant Classification Sherloc (09022015). Collection method: clinical testing. Allele origin: germline.
Comment: This sequence change replaces proline, which is neutral and non-polar, with leucine, which is neutral and non-polar, at codon 1138 of the NOTCH2 protein (p.Pro1138Leu). This variant is present in population databases (no rsID available, gnomAD 0.006%). This variant has not been reported in the literature in individuals affected with NOTCH2-related conditions. Invitae Evidence Modeling of protein sequence and biophysical properties (such as structural, functional, and spatial information, amino acid conservation, physicochemical variation, residue mobility, and thermodynamic stability) indicates that this missense variant is not expected to disrupt NOTCH2 protein function with a negative predictive value of 80%. In summary, the available evidence is currently insufficient to determine the role of this variant in disease. Therefore, it has been classified as a Variant of Uncertain Significance.